The following is an entry in ClinVar:

ClinVar aggregate classification (germline): Likely benign. Review status: criteria provided, multiple submitters, no conflicts (2 of 4 stars). 2 submissions from 2 submitters: Likely benign (2). Last evaluated 2024-02-24.

Conditions:
Mitochondrial DNA depletion syndrome, encephalomyopathic form with methylmalonic aciduria (MTDPS5). Also called: Mitochondrial encephalomyopathy aminoacidopathy; SUCLA2-Related Mitochondrial DNA Depletion Syndrome, Encephalomyopathic Form with Methylmalonic Aciduria; MITOCHONDRIAL DNA DEPLETION SYNDROME, ENCEPHALOMYOPATHIC FORM, WITH OR WITHOUT METHYLMALONIC ACIDURIA, AUTOSOMAL RECESSIVE, SUCLA2-RELATED; Mitochondrial DNA depletion syndrome 5 (encephalomyopathic with or without methylmalonic aciduria). Identifiers: Orphanet 1933, MedGen C5980207, MONDO:0012791, OMIM 612073.

Allele frequency attached by ClinVar (database versions not stated): gnomAD below 0.00001 and 0.00001; TOPMed below 0.00001; gnomAD exomes 0.00001 and 0.00002; ExAC 0.00002.
gnomAD v4.1: 16 of 1,613,748 alleles (0.00099%); highest among the groups gnomAD compares: Middle Eastern, 0.016%; no homozygotes.

Submissions (2):

Labcorp Genetics (formerly Invitae), Labcorp
Classification: Likely benign for Mitochondrial DNA depletion syndrome, encephalomyopathic form with methylmalonic aciduria. Last evaluated: 2024-02-24. Review status: criteria provided, single submitter. Criteria: Invitae Variant Classification Sherloc (09022015). Collection method: clinical testing. Allele origin: germline.

GeneDx
Classification: Likely benign. Last evaluated: 2017-08-29. Review status: criteria provided, single submitter. Criteria: GeneDx Variant Classification (06012015). Collection method: clinical testing. Allele origin: germline. Affected: yes.
Comment: This variant is considered likely benign or benign based on one or more of the following criteria: it is a conservative change, it occurs at a poorly conserved position in the protein, it is predicted to be benign by multiple in silico algorithms, and/or has population frequency not consistent with disease.

NM_003850.3(SUCLA2):c.1353G>A (p.Lys451=)

Gene: SUCLA2 (succinate-CoA ligase ADP-forming subunit beta; minus strand). Cytogenetic location: 13q14.2.
Variant type: single nucleotide variant.
Coding change: c.1353G>A on transcript NM_003850.3 (MANE Select); coding-DNA position 1353, G replaced by A.
Protein change: p.Lys451=; no amino-acid change (lysine 451 retained).
Molecular consequence: synonymous variant.
Genome position (GRCh38, 1-based): chr13:47,943,410, C>T on the plus strand (G>A on the coding strand, the complement: SUCLA2 is on the minus strand). VCF-style: chr13-47943410-C-T. GRCh37 (hg19) VCF-style: chr13-48517545-C-T.
Identifiers: ClinVar variation 511394 (VCV000511394.5), dbSNP rs754141542, ClinGen allele CA6977760.